The following is an entry in ClinVar:

ClinVar aggregate classification (germline): Uncertain significance (1 of 4 stars; one submission).

Conditions:
Immunodeficiency 35 (IMD35). Also called: TYK2 DEFICIENCY; Susceptibility to infection due to TYK2 deficiency; HIES WITH ATYPICAL MYCOBACTERIOSIS, AUTOSOMAL RECESSIVE; HYPER-IgE SYNDROME WITH ATYPICAL MYCOBACTERIOSIS, AUTOSOMAL RECESSIVE. Identifiers: Orphanet 331226, MedGen C1969086, MONDO:0012682, OMIM 611521.

Submission:

Labcorp Genetics (formerly Invitae), Labcorp
Classification: Uncertain significance for Immunodeficiency 35. Last evaluated: 2022-08-15. Review status: criteria provided, single submitter. Criteria: Invitae Variant Classification Sherloc (09022015). Collection method: clinical testing. Allele origin: germline.
Comment: This variant is not present in population databases (gnomAD no frequency). This sequence change replaces leucine, which is neutral and non-polar, with proline, which is neutral and non-polar, at codon 191 of the TYK2 protein (p.Leu191Pro). This variant has not been reported in the literature in individuals affected with TYK2-related conditions. ClinVar contains an entry for this variant (Variation ID: 1349271). Algorithms developed to predict the effect of missense changes on protein structure and function are either unavailable or do not agree on the potential impact of this missense change (SIFT: "Not Available"; PolyPhen-2: "Probably Damaging"; Align-GVGD: "Not Available"). In summary, the available evidence is currently insufficient to determine the role of this variant in disease. Therefore, it has been classified as a Variant of Uncertain Significance.

NM_003331.5(TYK2):c.572T>C (p.Leu191Pro)

Gene: TYK2 (tyrosine kinase 2; minus strand). Cytogenetic location: 19p13.2.
Variant type: single nucleotide variant.
Coding change: c.572T>C on transcript NM_003331.5 (MANE Select); coding-DNA position 572, T replaced by C.
Protein change: p.Leu191Pro; replaces leucine 191 with proline.
Molecular consequence: missense variant.
Genome position (GRCh38, 1-based): chr19:10,366,474, A>G on the plus strand (T>C on the coding strand, the complement: TYK2 is on the minus strand). VCF-style: chr19-10366474-A-G. GRCh37 (hg19) VCF-style: chr19-10477150-A-G.
Other names: c.572T>C, p.Leu191Pro (NM_001385197.1, NM_001385198.1, NM_001385199.1 and 8 more transcripts); short protein forms L191P.
Identifiers: ClinVar variation 1349271 (VCV001349271.8), dbSNP rs2145258740, ClinGen allele CA404017905.
Genomic context (GRCh38, chr19:10,366,474, plus strand): 5'-CACCTGGTCTTCTTGGCCACCTCCTCCAGGGGGATGCCATGGCGGAGAGCGAGGTGACAG[A>G]GGTGCAGAAAGGCCATGCCCAGGCTCTCATTCTTAAAGTGGTGGATCTCCTCCTCGGTCG-3'
Protein context (NP_003322.3, residues 181-201): NESLGMAFLH[Leu191Pro]CHLALRHGIP